The following is an entry in ClinVar:

NM_130849.4(SLC39A4):c.1126G>A (p.Ala376Thr)

Gene: SLC39A4 (solute carrier family 39 member 4; minus strand). Cytogenetic location: 8q24.3.
Variant type: single nucleotide variant.
Coding change: c.1126G>A on transcript NM_130849.4 (MANE Select); coding-DNA position 1126, G replaced by A.
Protein change: p.Ala376Thr; replaces alanine 376 with threonine.
Molecular consequence: missense variant.
Genome position (GRCh38, 1-based): chr8:144,414,285, C>T on the plus strand (G>A on the coding strand, the complement: SLC39A4 is on the minus strand). VCF-style: chr8-144414285-C-T. GRCh37 (hg19) VCF-style: chr8-145639669-C-T.
Other names: c.1051G>A, p.Ala351Thr (NM_017767.3); short protein forms A376T, A351T.
Identifiers: ClinVar variation 362240 (VCV000362240.16), dbSNP rs200073988, ClinGen allele CA4941391.

ClinVar aggregate classification (germline): Likely benign. Review status: criteria provided, multiple submitters, no conflicts (2 of 4 stars). 4 submissions from 4 submitters: Likely benign (3). 1 of the submissions does not count toward it. Last evaluated 2026-01-20.

Conditions:
Hereditary acrodermatitis enteropathica (AEZ). Also called: Acrodermatitis enteropathica. Identifiers: Orphanet 37, MedGen C0221036, MONDO:0008713, OMIM 201100.

Allele frequency attached by ClinVar (database versions not stated): gnomAD 0.00024 and 0.00032; TOPMed 0.00042; 1000 Genomes Project 30x 0.00109; 1000 Genomes Project 0.00140.

Submissions (4):

Labcorp Genetics (formerly Invitae), Labcorp
Classification: Likely benign. Last evaluated: 2026-01-20. Review status: criteria provided, single submitter. Criteria: Invitae Variant Classification Sherloc (09022015). Collection method: clinical testing. Allele origin: germline.

Blueprint Genetics
Classification: Likely benign. Last evaluated: 2024-10-11. Review status: criteria provided, single submitter. Criteria: ACMG Guidelines, 2015. Collection method: clinical testing. Allele origin: germline.

Illumina Laboratory Services, Illumina
Classification: Likely benign for Hereditary acrodermatitis enteropathica. Last evaluated: 2018-01-12. Review status: criteria provided, single submitter. Criteria: ICSL Variant Classification Criteria 13 December 2019. Collection method: clinical testing. Allele origin: germline.
Comment: This variant was observed in the ICSL laboratory as part of a predisposition screen in an ostensibly healthy population. It had not been previously curated by ICSL or reported in the Human Gene Mutation Database (HGMD: prior to June 1st, 2018), and was therefore a candidate for classification through an automated scoring system. Utilizing variant allele frequency, disease prevalence and penetrance estimates, and inheritance mode, an automated score was calculated to assess if this variant is too frequent to cause the disease. Based on the score and internal cut-off values, a variant classified as likely benign is not then subjected to further curation. The score for this variant resulted in a classification of likely benign for this disease.

Natera, Inc.
Classification: Benign for Acrodermatitis enteropathica. Last evaluated: 2019-11-22. Review status: no assertion criteria provided. Collection method: clinical testing. Allele origin: germline. Not counted in ClinVar's aggregate classification.